The following is an entry in ClinVar:

ClinVar aggregate classification (germline): Uncertain significance (1 of 4 stars; one submission).

Conditions:
Cardiovascular phenotype. Identifiers: MedGen CN230736.

Submission:

Ambry Genetics
Classification: Uncertain significance for Cardiovascular phenotype. Last evaluated: 2025-07-07. Review status: criteria provided, single submitter. Criteria: Ambry Variant Classification Scheme 2023. Collection method: clinical testing. Allele origin: germline.
Comment: The c.5162+1G>A intronic variant results from a G to A substitution one nucleotide after coding exon 20 of the AKAP9 gene. This nucleotide position is highly conserved in available vertebrate species. In silico splice site analysis predicts that this alteration will weaken the native splice donor site and may result in the creation or strengthening of a novel splice donor site. Alterations that disrupt the canonical splice site are expected to cause aberrant splicing, resulting in an abnormal protein or a transcript that is subject to nonsense-mediated mRNA decay. However, loss of function of AKAP9 has not been established as a mechanism of disease. The evidence for this gene-disease relationship is limited; therefore, the clinical significance of this alteration is unclear.

NM_005751.5(AKAP9):c.5162+1G>A

Gene: AKAP9 (A-kinase anchoring protein 9; plus strand). Cytogenetic location: 7q21.2.
Variant type: single nucleotide variant.
Coding change: c.5162+1G>A on transcript NM_005751.5 (MANE Select); the canonical splice donor site of the intron after coding-DNA position 5162, G replaced by A.
Molecular consequence: splice donor variant.
Genome position (GRCh38, 1-based): chr7:92,042,772, G>A. VCF-style: chr7-92042772-G-A. GRCh37 (hg19) VCF-style: chr7-91672086-G-A.
Other names: c.5162+1G>A (NM_147185.3).
Identifiers: ClinVar variation 1745731 (VCV001745731.3), dbSNP rs1401330274, ClinGen allele CA368130448.
Genomic context (GRCh38, chr7:92,042,772, plus strand): 5'-AGAAAAGGAATTAGACAGAAAACCTGAAGATGTGCCTCCTGAGATTTTGTCTAATGAAAG[G>A]TATACAAAATGTGTACTTTTTCAGTGCAAAGTAAATTAAAATGGTTGTTTCAATGTAATA-3'